The following is an entry in ClinVar:

NM_000400.4(ERCC2):c.178C>T (p.Gln60Ter)

Gene: ERCC2 (ERCC excision repair 2, TFIIH core complex helicase subunit; minus strand). Cytogenetic location: 19q13.32.
Variant type: single nucleotide variant.
Coding change: c.178C>T on transcript NM_000400.4 (MANE Select); coding-DNA position 178, C replaced by T.
Protein change: p.Gln60Ter; replaces glutamine 60 with a stop codon.
Molecular consequence: nonsense. On other transcripts: non-coding transcript variant (2), intron variant (1).
Genome position (GRCh38, 1-based): chr19:45,369,075, G>A on the plus strand (C>T on the coding strand, the complement: ERCC2 is on the minus strand). VCF-style: chr19-45369075-G-A. GRCh37 (hg19) VCF-style: chr19-45872333-G-A.
Other names: c.106C>T, p.Gln36Ter (NM_001130867.2, NM_001440355.1); c.55C>T, p.Gln19Ter (NM_001440357.1); c.106-83C>T (NM_001440356.1); short protein forms Q19*, Q36*, Q60*.
Identifiers: ClinVar variation 5015592 (VCV005015592.1).

ClinVar aggregate classification (germline): Pathogenic (1 of 4 stars; one submission).

Conditions:
ERCC2-related disorder. Also called: ERCC2-related conditions; ERCC2-related condition; ERCC2-related disorders. Identifiers: MedGen CN239291.

Submission:

Myriad Genetics, Inc.
Classification: Pathogenic for ERCC2-related disorder. Last evaluated: 2026-02-22. Review status: criteria provided, single submitter. Criteria: Myriad Autosomal Dominant, Autosomal Recessive and X-Linked Classification Criteria (2023). Collection method: clinical testing. Allele origin: unknown.
Comment: NM_000400.3(ERCC2):c.178C>T(Q60*) is expected to be pathogenic in the context of ERCC2-related disorders. This variant is predicted to lead to an abnormal or absent protein product due to the creation of a premature termination codon in ERCC2, a gene where loss-of-function variants are known to be pathogenic. Please note: this variant was assessed in the context of healthy population screening.